The following is an entry in ClinVar:

NM_005676.5(RBM10):c.1120G>A (p.Gly374Ser)

Gene: RBM10 (RNA binding motif protein 10; plus strand). Cytogenetic location: Xp11.3.
Variant type: single nucleotide variant.
Coding change: c.1120G>A on transcript NM_005676.5 (MANE Select); coding-DNA position 1120, G replaced by A.
Protein change: p.Gly374Ser; replaces glycine 374 with serine.
Molecular consequence: missense variant.
Genome position (GRCh38, 1-based): chrX:47,180,269, G>A. VCF-style: chrX-47180269-G-A. GRCh37 (hg19) VCF-style: chrX-47039668-G-A.
Other names: c.889G>A, p.Gly297Ser (NM_001204466.2); c.1117G>A, p.Gly373Ser (NM_001204467.2); c.1315G>A, p.Gly439Ser (NM_001204468.2); c.886G>A, p.Gly296Ser (NM_152856.3); short protein forms G296S, G373S, G297S, G374S, G439S.
Identifiers: ClinVar variation 2875515 (VCV002875515.3), dbSNP rs2147177438, ClinGen allele CA412799899.

ClinVar aggregate classification (germline): Uncertain significance (1 of 4 stars; one submission).

Allele frequency attached by ClinVar (database versions not stated): gnomAD exomes below 0.00001.
gnomAD v4.1: 3 of 1,204,743 alleles (0.00025%); highest among the groups gnomAD compares: Non-Finnish European, 0.00034%; no homozygotes.

Submission:

Labcorp Genetics (formerly Invitae), Labcorp
Classification: Uncertain significance. Last evaluated: 2023-02-01. Review status: criteria provided, single submitter. Criteria: Invitae Variant Classification Sherloc (09022015). Collection method: clinical testing. Allele origin: germline.
Comment: This sequence change replaces glycine, which is neutral and non-polar, with serine, which is neutral and polar, at codon 374 of the RBM10 protein (p.Gly374Ser). In summary, the available evidence is currently insufficient to determine the role of this variant in disease. Therefore, it has been classified as a Variant of Uncertain Significance. Advanced modeling of protein sequence and biophysical properties (such as structural, functional, and spatial information, amino acid conservation, physicochemical variation, residue mobility, and thermodynamic stability) has been performed at Invitae for this missense variant, however the output from this modeling did not meet the statistical confidence thresholds required to predict the impact of this variant on RBM10 protein function. This variant has not been reported in the literature in individuals affected with RBM10-related conditions. This variant is not present in population databases (gnomAD no frequency).